The following is an entry in ClinVar:

ClinVar aggregate classification (germline): Likely benign. Review status: criteria provided, multiple submitters, no conflicts (2 of 4 stars). 2 submissions from 2 submitters: Likely benign (2). Last evaluated 2020-12-07.

Conditions:
Hypermanganesemia with dystonia, polycythemia, and cirrhosis (HMNDYT1). Also called: Hepatic Cirrhosis, Dystonia, Polycythemia and Hypermanganesemia; Cirrhosis - dystonia - polycythemia - hypermanganesemia syndrome; Hypermanganesemia with Dystonia 1. Identifiers: Orphanet 309854, MedGen C2750442, MONDO:0013208, OMIM 613280.

Allele frequency attached by ClinVar (database versions not stated): gnomAD exomes 0.00020; 1000 Genomes Project 30x 0.00281; gnomAD 0.00291 and 0.00315; TOPMed 0.00322; 1000 Genomes Project 0.00339.
gnomAD v4.1: 685 of 1,257,848 alleles (0.054%); highest among the groups gnomAD compares: African/African-American, 0.98%; 3 homozygotes.

Submissions (2):

GeneDx
Classification: Likely benign. Last evaluated: 2020-12-07. Review status: criteria provided, single submitter. Criteria: GeneDx Variant Classification Process June 2021. Collection method: clinical testing. Allele origin: germline. Affected: yes.
Comment: See Variant Classification Assertion Criteria.

Illumina Laboratory Services, Illumina
Classification: Likely benign for Hypermanganesemia with dystonia, polycythemia, and cirrhosis. Last evaluated: 2018-01-13. Review status: criteria provided, single submitter. Criteria: ICSL Variant Classification Criteria 13 December 2019. Collection method: clinical testing. Allele origin: germline.
Comment: This variant was observed in the ICSL laboratory as part of a predisposition screen in an ostensibly healthy population. It had not been previously curated by ICSL or reported in the Human Gene Mutation Database (HGMD: prior to June 1st, 2018), and was therefore a candidate for classification through an automated scoring system. Utilizing variant allele frequency, disease prevalence and penetrance estimates, and inheritance mode, an automated score was calculated to assess if this variant is too frequent to cause the disease. Based on the score and internal cut-off values, a variant classified as likely benign is not then subjected to further curation. The score for this variant resulted in a classification of likely benign for this disease.

NM_018713.3(SLC30A10):c.-87A>T

Gene: SLC30A10 (solute carrier family 30 member 10; minus strand). Cytogenetic location: 1q41.
Variant type: single nucleotide variant.
Coding change: c.-87A>T on transcript NM_018713.3 (MANE Select); 87 bases upstream of the start codon, A replaced by T.
Molecular consequence: 5 prime UTR variant. On other transcripts: non-coding transcript variant (1), intron variant (1).
Genome position (GRCh38, 1-based): chr1:219,928,527, T>A on the plus strand (A>T on the coding strand, the complement: SLC30A10 is on the minus strand). VCF-style: chr1-219928527-T-A. GRCh37 (hg19) VCF-style: chr1-220101869-T-A.
Other names: c.452-1422A>T (NM_001376929.1).
Identifiers: ClinVar variation 295600 (VCV000295600.6), dbSNP rs531545790, ClinGen allele CA10609197.